The following is an entry in ClinVar:

NM_001042492.3(NF1):c.4008G>A (p.Gln1336=)

Gene: NF1 (neurofibromin 1; plus strand). Cytogenetic location: 17q11.2.
Variant type: single nucleotide variant.
Coding change: c.4008G>A on transcript NM_001042492.3 (MANE Select); coding-DNA position 4008, G replaced by A.
Protein change: p.Gln1336=; no amino-acid change (glutamine 1336 retained).
Molecular consequence: synonymous variant.
Genome position (GRCh38, 1-based): chr17:31,249,017, G>A. VCF-style: chr17-31249017-G-A. GRCh37 (hg19) VCF-style: chr17-29576035-G-A.
Other names: c.4008G>A, p.Gln1336= (NM_000267.4).
Identifiers: ClinVar variation 4875876 (VCV004875876.1).
Genomic context (GRCh38, chr17:31,249,017, plus strand): 5'-TAGGATTTTATTTTTATTTTTTTGTAGGTTAGAACCATCAGAGAGCCTTGAGGAAAACCA[G>A]CGGAACCTCCTTCAGATGACTGAAAAGTTCTTCCATGCCATCATCAGTTCCTCCTCAGAA-3'
Protein context (NP_001035957.1, residues 1326-1346): LEPSESLEEN[Gln1336=]RNLLQMTEKF

ClinVar aggregate classification (germline): Benign (1 of 4 stars; one submission).

Conditions:
Neurofibromatosis, type 1 (NF1). Also called: VON RECKLINGHAUSEN DISEASE; NEUROFIBROMATOSIS, TYPE I, SOMATIC; Peripheral type neurofibromatosis; Neurofibromatosis, type I. Identifiers: Orphanet 636, MedGen C0027831, MONDO:0018975, OMIM 162200. Disease mechanism: loss of function.

Submission:

Myriad Genetics, Inc.
Classification: Benign for Neurofibromatosis, type 1. Last evaluated: 2026-05-19. Review status: criteria provided, single submitter. Criteria: Myriad Autosomal Dominant, Autosomal Recessive and X-Linked Classification Criteria (2023). Collection method: clinical testing. Allele origin: unknown.
Comment: This variant is considered benign. This variant is a silent/synonymous amino acid change and it is not expected to impact splicing.